The following is an entry in ClinVar:

NM_005120.3(MED12):c.3691+9dup

Gene: MED12 (mediator complex subunit 12; plus strand). Cytogenetic location: Xq13.1.
Variant type: Duplication.
Coding change: c.3691+9dup on transcript NM_005120.3 (MANE Select); 9 bases into the intron after coding-DNA position 3691, one base duplicated (G; older notation c.3691+9dupG).
Molecular consequence: intron variant.
Genome position (GRCh38, 1-based): chrX:71,129,438, G duplicated; the last of 5 consecutive G bases (chrX:71,129,434-71,129,438); duplicating any one gives the same sequence. VCF-style (leftmost placement, unchanged base first): chrX-71129433-C-CG. GRCh37 (hg19) VCF-style: chrX-70349283-C-CG.
Other names: c.3691+9dupG (NM_005120.2).
Identifiers: ClinVar variation 1042490 (VCV001042490.11), dbSNP rs966516434, ClinGen allele CA330980427.

ClinVar aggregate classification (germline): Benign. Review status: criteria provided, single submitter (1 of 4 stars). 2 submissions from 2 submitters: Benign (1). 1 of the submissions does not count toward it. Last evaluated 2025-04-20.

Conditions:
FG syndrome (FGS). Identifiers: MedGen C0220769, MONDO:0002010.
MED12-Related Disorders. Also called: MED12-related condition; MED12-related disorder. Identifiers: MedGen CN381102.

Submissions (2):

Labcorp Genetics (formerly Invitae), Labcorp
Classification: Benign for FG syndrome. Last evaluated: 2025-04-20. Review status: criteria provided, single submitter. Criteria: Invitae Variant Classification Sherloc (09022015). Collection method: clinical testing. Allele origin: germline.

PreventionGenetics, part of Exact Sciences
Classification: Likely benign for MED12-related condition. Last evaluated: 2020-06-18. Review status: no assertion criteria provided. Collection method: clinical testing. Allele origin: germline. Not counted in ClinVar's aggregate classification.
Comment: This variant is classified as likely benign based on ACMG/AMP sequence variant interpretation guidelines (Richards et al. 2015 PMID: 25741868, with internal and published modifications).